The following is an entry in ClinVar:

ClinVar aggregate classification (germline): Conflicting classifications of pathogenicity. Review status: criteria provided, conflicting classifications (1 of 4 stars). 7 submissions from 7 submitters: Uncertain significance (6); Benign (1). Last evaluated 2025-08-18.

Conditions:
Ovarian cancer. Also called: OVARIAN CANCER, SOMATIC. Identifiers: Orphanet 213500, MedGen C1140680, MONDO:0008170, OMIM 167000.
Hereditary cancer-predisposing syndrome. Also called: Hereditary Cancer Syndrome; Neoplastic Syndromes, Hereditary; Hereditary neoplastic syndrome; Tumor predisposition. Identifiers: Orphanet 140162, MedGen C0027672, MeSH D009386, MONDO:0015356.
Nijmegen breakage syndrome-like disorder (NBSLD). Also called: MICROCEPHALY AND SPONTANEOUS CHROMOSOME INSTABILITY WITHOUT IMMUNODEFICIENCY; NBS-LIKE DISORDER; RAD50 DEFICIENCY. Identifiers: Orphanet 240760, MedGen C2751318, MONDO:0013118, OMIM 613078.

Allele frequency attached by ClinVar (database versions not stated): gnomAD 0.00001 and 0.00002; gnomAD exomes 0.00001 and 0.00004; TOPMed 0.00001; ExAC 0.00004; 1000 Genomes Project 30x 0.00031; 1000 Genomes Project 0.00040.
gnomAD v4.1: 12 of 1,607,022 alleles (0.00075%); highest among the groups gnomAD compares: East Asian, 0.027%; no homozygotes.

Submissions (7):

Quest Diagnostics Nichols Institute San Juan Capistrano
Classification: Uncertain significance. Last evaluated: 2025-08-18. Review status: criteria provided, single submitter. Criteria: Quest Diagnostics criteria. Collection method: clinical testing. Allele origin: unknown.
Comment: The RAD50 c.2530A>C (p.Ser844Arg) variant has been reported in the published literature in individuals with ovarian cancer (PMID: 38509102 (2024), breast cancer (PMID: 33471991 (2021), see also LOVD), and in reportedly unaffected individuals (PMID: 33471991 (2021), see also LOVD). The frequency of this variant in the general population (Genome Aggregation Database) is uninformative in the assessment of its pathogenicity. Analysis of this variant using bioinformatics tools for the prediction of the effect of amino acid changes on protein structure and function yielded predictions that this variant is benign. Based on the available information, we are unable to determine the clinical significance of this variant.

Labcorp Genetics (formerly Invitae), Labcorp
Classification: Uncertain significance for Hereditary cancer-predisposing syndrome. Last evaluated: 2025-07-16. Review status: criteria provided, single submitter. Criteria: Invitae Variant Classification Sherloc (09022015). Collection method: clinical testing. Allele origin: germline.
Comment: This sequence change replaces serine, which is neutral and polar, with arginine, which is basic and polar, at codon 844 of the RAD50 protein (p.Ser844Arg). This variant is present in population databases (rs373817937, gnomAD 0.05%). This variant has not been reported in the literature in individuals affected with RAD50-related conditions. ClinVar contains an entry for this variant (Variation ID: 142780). Invitae Evidence Modeling of protein sequence and biophysical properties (such as structural, functional, and spatial information, amino acid conservation, physicochemical variation, residue mobility, and thermodynamic stability) indicates that this missense variant is not expected to disrupt RAD50 protein function with a negative predictive value of 80%. In summary, the available evidence is currently insufficient to determine the role of this variant in disease. Therefore, it has been classified as a Variant of Uncertain Significance.

Women's Health and Genetics/Laboratory Corporation of America, LabCorp
Classification: Uncertain significance. Last evaluated: 2025-04-07. Review status: criteria provided, single submitter. Criteria: LabCorp Variant Classification Summary - May 2015. Collection method: clinical testing. Allele origin: germline.
Comment: Variant summary: RAD50 c.2530A>C (p.Ser844Arg) results in a non-conservative amino acid change in the encoded protein sequence. Three of five in-silico tools predict a benign effect of the variant on protein function. The variant allele was found at a frequency of 3.6e-05 in 249194 control chromosomes, predominantly at a frequency of 0.00049 within the East Asian subpopulation in the gnomAD database. The available data on variant occurrences in the general population are insufficient to allow any conclusion about variant significance. To our knowledge, c.2530A>C has not been reported in the literature in individuals affected with Nijmegen Breakage Syndrome-Like Disorder and no experimental evidence demonstrating an impact on protein function has been reported. The following publications have been ascertained in the context of this evaluation (PMID: 33471991, 31360874, 29926297). ClinVar contains an entry for this variant (Variation ID: 142780). Based on the evidence outlined above, the variant was classified as uncertain significance.

Ambry Genetics
Classification: Uncertain significance for Hereditary cancer-predisposing syndrome. Last evaluated: 2024-09-03. Review status: criteria provided, single submitter. Criteria: Ambry Variant Classification Scheme 2023. Collection method: clinical testing. Allele origin: germline.
Comment: The p.S844R variant (also known as c.2530A>C), located in coding exon 16 of the RAD50 gene, results from an A to C substitution at nucleotide position 2530. The serine at codon 844 is replaced by arginine, an amino acid with dissimilar properties. This alteration was identified in an individual diagnosed with ovarian cancer (Fu K et al. Sci Rep, 2024 Mar;14:6702). This amino acid position is well conserved in available vertebrate species. In addition, the in silico prediction for this alteration is inconclusive. Based on the available evidence, the clinical significance of this variant remains unclear.

Baylor Genetics
Classification: Uncertain significance for Nijmegen breakage syndrome-like disorder. Last evaluated: 2023-07-23. Review status: criteria provided, single submitter. Criteria: ACMG Guidelines, 2015. Collection method: clinical testing. Allele origin: unknown.

Laboratory of Molecular Epidemiology of Birth Defects, West China Second University Hospital, Sichuan University
Classification: Benign for Ovarian cancer. Last evaluated: 2022-01-01. Review status: criteria provided, single submitter. Criteria: ACMG Guidelines, 2015. Collection method: clinical testing. Allele origin: germline. Affected: yes.

Fulgent Genetics
Classification: Uncertain significance for Nijmegen breakage syndrome-like disorder. Last evaluated: 2018-10-31. Review status: criteria provided, single submitter. Criteria: ACMG Guidelines, 2015. Collection method: clinical testing. Allele origin: unknown.

Literature cited by the submitters: PubMed 33471991 (cited by Quest Diagnostics Nichols Institute San Juan Capistrano and Women's Health and Genetics/Laboratory Corporation of America, LabCorp); PubMed 38509102 (cited by Quest Diagnostics Nichols Institute San Juan Capistrano and Ambry Genetics); PubMed 31360874 (cited by Quest Diagnostics Nichols Institute San Juan Capistrano and Women's Health and Genetics/Laboratory Corporation of America, LabCorp); PubMed 29926297 (cited by Women's Health and Genetics/Laboratory Corporation of America, LabCorp).

NM_005732.4(RAD50):c.2530A>C (p.Ser844Arg)

Gene: RAD50 (RAD50 double strand break repair protein; plus strand). Cytogenetic location: 5q31.1.
Variant type: single nucleotide variant.
Coding change: c.2530A>C on transcript NM_005732.4 (MANE Select); coding-DNA position 2530, A replaced by C.
Protein change: p.Ser844Arg; replaces serine 844 with arginine.
Molecular consequence: missense variant.
Genome position (GRCh38, 1-based): chr5:132,604,811, A>C. VCF-style: chr5-132604811-A-C. GRCh37 (hg19) VCF-style: chr5-131940503-A-C.
Other names: short protein forms S844R.
Identifiers: ClinVar variation 142780 (VCV000142780.23), dbSNP rs373817937, ClinGen allele CA333279.